The following is an entry in ClinVar:

ClinVar aggregate classification (germline): Uncertain significance (1 of 4 stars; one submission).

Conditions:
Generalized epilepsy-paroxysmal dyskinesia syndrome (PNKD3). Also called: Generalized epilepsy and paroxysmal dyskinesia; Paroxysmal nonkinesigenic dyskinesia, 3, with or without generalized epilepsy. Identifiers: Orphanet 79137, MedGen C5574945, MONDO:0012276, OMIM 609446.

gnomAD v4.1: 58 of 1,600,706 alleles (0.0036%); highest among the groups gnomAD compares: Non-Finnish European, 0.0049%; no homozygotes.

Submission:

Labcorp Genetics (formerly Invitae), Labcorp
Classification: Uncertain significance for Generalized epilepsy-paroxysmal dyskinesia syndrome. Last evaluated: 2025-03-27. Review status: criteria provided, single submitter. Criteria: Invitae Variant Classification Sherloc (09022015). Collection method: clinical testing. Allele origin: germline.
Comment: This sequence change falls in intron 11 of the KCNMA1 gene. It does not directly change the encoded amino acid sequence of the KCNMA1 protein. This variant is present in population databases (rs749407944, gnomAD 0.0009%). This variant has not been reported in the literature in individuals affected with KCNMA1-related conditions. Algorithms developed to predict the effect of sequence changes on RNA splicing suggest that this variant may disrupt the consensus splice site. In summary, the available evidence is currently insufficient to determine the role of this variant in disease. Therefore, it has been classified as a Variant of Uncertain Significance.

NM_001161352.2(KCNMA1):c.1441-12T>G

Gene: KCNMA1 (potassium calcium-activated channel subfamily M alpha 1; minus strand). Cytogenetic location: 10q22.3.
Variant type: single nucleotide variant.
Coding change: c.1441-12T>G on transcript NM_001161352.2 (MANE Select); 12 bases into the intron before coding-DNA position 1441, T replaced by G.
Molecular consequence: intron variant.
Genome position (GRCh38, 1-based): chr10:77,084,731, A>C on the plus strand (T>G on the coding strand, the complement: KCNMA1 is on the minus strand). VCF-style: chr10-77084731-A-C. GRCh37 (hg19) VCF-style: chr10-78844489-A-C.
Other names: c.1279-12T>G (NM_001271518.2); c.1441-12T>G (NM_001322832.2, NM_001410940.1, NM_001437423.1 and 9 more transcripts); c.901-12T>G (NM_001322838.2); c.1573-12T>G (NM_001437422.1).
Identifiers: ClinVar variation 4767237 (VCV004767237.1).
Genomic context (GRCh38, chr10:77,084,731, plus strand): 5'-CAGCGCAGTACTTGTTGGCAAGGATCAGGCATGCATCTGCTGACTCTATCTAAGACACCG[A>C]AAGGAAAATTCACAGAACACAAACATATAAATAGCCATGCTCGAGTGTAGTCTCTCTCTG-3'